The following is an entry in ClinVar:

NM_000377.3(WAS):c.295del (p.Gln99fs)

Gene: WAS (WASP actin nucleation promoting factor; plus strand). Cytogenetic location: Xp11.23.
Variant type: Deletion.
Coding change: c.295del on transcript NM_000377.3 (MANE Select); coding-DNA position 295, one base deleted (C; older notation c.295delC).
Protein change: p.Gln99fs; shifts the reading frame from glutamine 99.
Molecular consequence: frameshift variant.
Genome position (GRCh38, 1-based): chrX:48,685,568, C deleted. VCF-style (leftmost placement, unchanged base first): chrX-48685567-AC-A. GRCh37 (hg19) VCF-style: chrX-48543956-AC-A.
Other names: short protein forms Q99fs.
Identifiers: ClinVar variation 2033777 (VCV002033777.4), dbSNP rs2519280109, ClinGen allele CA2580101042.

ClinVar aggregate classification (germline): Pathogenic (1 of 4 stars; one submission).

Conditions:
X-linked severe congenital neutropenia (SCNX). Identifiers: Orphanet 86788, MedGen C1845987, MONDO:0010294, OMIM 300299.
Thrombocytopenia 1. Also called: THROMBOCYTOPENIA, X-LINKED, 1; X-linked thrombocytopenia with normal platelets; X-Linked Thrombocytopenia (XLT). Identifiers: Orphanet 268322, Orphanet 852, MedGen C1839163, MONDO:0010743, OMIM 313900.
Wiskott-Aldrich syndrome (WAS). Also called: ALDRICH SYNDROME; IMMUNODEFICIENCY 2; WISKOTT-ALDRICH SYNDROME 1; Wiskott-aldrich syndrome, somatic. Identifiers: Orphanet 906, MedGen C0043194, MONDO:0010518, OMIM 301000.

Submission:

Labcorp Genetics (formerly Invitae), Labcorp
Classification: Pathogenic for Wiskott-Aldrich syndrome; X-linked severe congenital neutropenia; Thrombocytopenia 1. Last evaluated: 2022-10-02. Review status: criteria provided, single submitter. Criteria: Invitae Variant Classification Sherloc (09022015). Collection method: clinical testing. Allele origin: germline.
Comment: For these reasons, this variant has been classified as Pathogenic. This variant has not been reported in the literature in individuals affected with WAS-related conditions. This variant is not present in population databases (gnomAD no frequency). This sequence change creates a premature translational stop signal (p.Gln99Argfs*28) in the WAS gene. It is expected to result in an absent or disrupted protein product. Loss-of-function variants in WAS are known to be pathogenic (PMID: 15284122).

Literature cited by the submitters: PubMed 15284122.